The following is an entry in ClinVar:

NM_000059.4(BRCA2):c.8547G>C (p.Lys2849Asn)

Gene: BRCA2 (BRCA2 DNA repair associated; plus strand). Cytogenetic location: 13q13.1.
Variant type: single nucleotide variant.
Coding change: c.8547G>C on transcript NM_000059.4 (MANE Select); coding-DNA position 8547, G replaced by C.
Protein change: p.Lys2849Asn; replaces lysine 2849 with asparagine.
Molecular consequence: missense variant. On other transcripts: non-coding transcript variant (1).
Genome position (GRCh38, 1-based): chr13:32,371,015, G>C. VCF-style: chr13-32371015-G-C. GRCh37 (hg19) VCF-style: chr13-32945152-G-C.
Other names: c.8451G>C, p.Lys2817Asn (NM_001406719.1); c.8547G>C, p.Lys2849Asn (NM_001406720.1); c.3615G>C, p.Lys1205Asn (NM_001406721.1); c.2130G>C, p.Lys710Asn (NM_001406722.1); short protein forms K2817N, K710N, K1205N, K2849N.
Identifiers: ClinVar variation 2451569 (VCV002451569.4), dbSNP rs749039580, ClinGen allele CA387752772.

ClinVar aggregate classification (germline): Uncertain significance. Review status: criteria provided, multiple submitters, no conflicts (2 of 4 stars). 3 submissions from 3 submitters: Uncertain significance (3). Last evaluated 2025-04-28.

Conditions:
Hereditary breast ovarian cancer syndrome. Also called: Hereditary breast and/or ovarian cancer syndrome; BRCA1- and BRCA2-Associated Hereditary Breast and Ovarian Cancer; Hereditary breast and ovarian cancer syndrome; Hereditary breast and ovarian cancer; Hereditary breast and ovarian cancer syndrome (HBOC); Breast and ovarian cancer. Identifiers: Orphanet 145, MedGen C0677776, MeSH D061325, MONDO:0003582. Disease mechanism: loss of function.
Hereditary cancer-predisposing syndrome. Also called: Neoplastic Syndromes, Hereditary; Tumor predisposition; Hereditary neoplastic syndrome; Hereditary Cancer Syndrome. Identifiers: Orphanet 140162, MedGen C0027672, MeSH D009386, MONDO:0015356.

Submissions (3):

Labcorp Genetics (formerly Invitae), Labcorp
Classification: Uncertain significance for Hereditary breast ovarian cancer syndrome. Last evaluated: 2025-04-28. Review status: criteria provided, single submitter. Criteria: Invitae Variant Classification Sherloc (09022015). Collection method: clinical testing. Allele origin: germline.
Comment: This sequence change replaces lysine, which is basic and polar, with asparagine, which is neutral and polar, at codon 2849 of the BRCA2 protein (p.Lys2849Asn). This variant is not present in population databases (gnomAD no frequency). This variant has not been reported in the literature in individuals affected with BRCA2-related conditions. ClinVar contains an entry for this variant (Variation ID: 2451569). Invitae Evidence Modeling of protein sequence and biophysical properties (such as structural, functional, and spatial information, amino acid conservation, physicochemical variation, residue mobility, and thermodynamic stability) indicates that this missense variant is not expected to disrupt BRCA2 protein function with a negative predictive value of 95%. In summary, the available evidence is currently insufficient to determine the role of this variant in disease. Therefore, it has been classified as a Variant of Uncertain Significance.

Quest Diagnostics Nichols Institute San Juan Capistrano
Classification: Uncertain significance. Last evaluated: 2024-11-20. Review status: criteria provided, single submitter. Criteria: Quest Diagnostics criteria. Collection method: clinical testing. Allele origin: unknown.
Comment: The BRCA2 c.8547G>C (p.Lys2849Asn) variant has not been reported in individuals with BRCA2-related conditions in the published literature. It also has not been reported in large, multi-ethnic general populations (Genome Aggregation Database). Analysis of this variant using bioinformatics tools for the prediction of the effect of amino acid changes on protein structure and function yielded conflicting predictions that this variant is benign or damaging. Based on the available information, we are unable to determine the clinical significance of this variant.

Ambry Genetics
Classification: Uncertain significance for Hereditary cancer-predisposing syndrome. Last evaluated: 2023-03-13. Review status: criteria provided, single submitter. Criteria: Ambry Variant Classification Scheme 2023. Collection method: clinical testing. Allele origin: germline.
Comment: The p.K2849N variant (also known as c.8547G>C), located in coding exon 19 of the BRCA2 gene, results from a G to C substitution at nucleotide position 8547. The lysine at codon 2849 is replaced by asparagine, an amino acid with similar properties. This amino acid position is not well conserved in available vertebrate species. In addition, this alteration is predicted to be tolerated by in silico analysis. Since supporting evidence is limited at this time, the clinical significance of this alteration remains unclear.